The following is an entry in ClinVar:

NM_000492.4(CFTR):c.2053dup (p.Gln685fs)

Gene: CFTR (CF transmembrane conductance regulator; plus strand). Cytogenetic location: 7q31.2.
Variant type: Duplication.
Coding change: c.2053dup on transcript NM_000492.4 (MANE Select); coding-DNA position 2053, one base duplicated (C; older notation c.2053dupC).
Protein change: p.Gln685fs; shifts the reading frame from glutamine 685.
Molecular consequence: frameshift variant.
Genome position (GRCh38, 1-based): chr7:117,592,220, C duplicated. VCF-style (leftmost placement, unchanged base first): chr7-117592219-A-AC. GRCh37 (hg19) VCF-style: chr7-117232273-A-AC.
Other names: 2185insC; c.2053dupC (NM_000492.3); short protein forms Q685fs.
Identifiers: ClinVar variation 487397 (VCV000487397.3), dbSNP rs797045162, ClinGen allele CA276116.

ClinVar aggregate classification (germline): Pathogenic. Review status: reviewed by expert panel (3 of 4 stars). 3 submissions from 3 submitters: Pathogenic (1). 2 of the submissions do not count toward it. Last evaluated 2017-03-17.

Conditions:
CFTR-related disorder (CFTR-RD). Also called: CFTR-related disorders; CFTR-related condition. Identifiers: MedGen C5924204, MONDO:7770004.
Cystic fibrosis (CF). Also called: MUCOVISCIDOSIS. Identifiers: Orphanet 586, MedGen C0010674, MONDO:0009061, OMIM 219700. Disease mechanism: loss of function.

Submissions (3):

CFTR2
Classification: Pathogenic for Cystic fibrosis. Last evaluated: 2017-03-17. Review status: reviewed by expert panel. Criteria: Sosnay PR et al. (Nat Genet 2013). Collection method: research. Allele origin: germline. Affected: yes. Study: CFTR2.

Institute of Human Genetics, University of Leipzig Medical Center
Classification: Pathogenic for Cystic fibrosis. Last evaluated: 2022-09-05. Review status: criteria provided, single submitter. Criteria: ACMG Guidelines, 2015. Collection method: curation. Allele origin: unknown. Affected: yes. Observed: 1 variant allele. Not counted in ClinVar's aggregate classification.
Comment: The variant was classified in the context of a project re-classifying variants in the German Cystic Fibrosis Registry (Muko.e.V.). Criteria applied: PVS1, PM2_SUP, PM3_STR, PP4

Natera, Inc.
Classification: Pathogenic for CFTR-related disorders. Last evaluated: 2017-03-17. Review status: no assertion criteria provided. Collection method: clinical testing. Allele origin: germline. Not counted in ClinVar's aggregate classification.